The following is an entry in ClinVar:

NM_000059.4(BRCA2):c.729_732del (p.Asn243fs)

Gene: BRCA2 (BRCA2 DNA repair associated; plus strand). Cytogenetic location: 13q13.1.
Variant type: Deletion.
Coding change: c.729_732del on transcript NM_000059.4 (MANE Select); coding-DNA positions 729 to 732, 4 bases deleted (TGAT; older notation c.729_732delTGAT).
Protein change: p.Asn243fs; shifts the reading frame from asparagine 243.
Molecular consequence: frameshift variant.
Genome position (GRCh38, 1-based): chr13:32,330,966-32,330,969, TGAT deleted. VCF-style (leftmost placement, unchanged base first): chr13-32330965-ATGAT-A. GRCh37 (hg19) VCF-style: chr13-32905102-ATGAT-A.
Other names: 957del4; c.729_732delTGAT (NM_000059.3).
Identifiers: ClinVar variation 52302 (VCV000052302.28), dbSNP rs80359645, ClinGen allele CA025015.

ClinVar aggregate classification (germline): Pathogenic. Review status: reviewed by expert panel (3 of 4 stars). 13 submissions from 13 submitters: Pathogenic (1). 12 of the submissions do not count toward it. Last evaluated 2016-09-08.

Conditions:
Pancreatic cancer, susceptibility to, 2. Identifiers: Orphanet 1333, MedGen C3150546, MONDO:0013235, OMIM 613347.
Glioma susceptibility 3 (GLM3). Also called: Glioblastoma 3. Identifiers: Orphanet 182067, Orphanet 360, MedGen C2751641, MONDO:0013093, OMIM 613029.
Familial prostate cancer. Also called: Hereditary Prostate Cancer. Identifiers: MedGen C2931456, MONDO:0700275, OMIM 176807.
Breast-ovarian cancer, familial, susceptibility to, 2 (BROVCA2). Also called: BRCA2 Hereditary Breast and Ovarian Cancer. Identifiers: Orphanet 145, MedGen C2675520, MONDO:0012933, OMIM 612555. Disease mechanism: loss of function.
Fanconi anemia complementation group D1. Also called: BRCA2-Related Fanconi Anemia. Identifiers: Orphanet 319462, MedGen C1838457, MONDO:0011584, OMIM 605724.
Medulloblastoma (MDB). Also called: Medulloblastoma, somatic; MEDULLOBLASTOMA PREDISPOSITION SYNDROME. Identifiers: Orphanet 616, MedGen C0025149, MeSH D008527, MONDO:0007959, OMIM 155255, HP:0002885.
Wilms tumor 1 (WT1). Also called: Wilms tumor, somatic. Identifiers: Orphanet 654, MedGen CN033288, MONDO:0008679, OMIM 194070.
Familial cancer of breast. Also called: BREAST CANCER, FAMILIAL; hereditary breast carcinoma; Hereditary breast cancer. Identifiers: Orphanet 227535, MedGen C0346153, MONDO:0016419, OMIM 114480. Disease mechanism: loss of function.
Hereditary cancer-predisposing syndrome. Also called: Neoplastic Syndromes, Hereditary; Tumor predisposition; Hereditary Cancer Syndrome; Hereditary neoplastic syndrome. Identifiers: Orphanet 140162, MedGen C0027672, MeSH D009386, MONDO:0015356.
Hereditary breast ovarian cancer syndrome. Also called: Breast and ovarian cancer; Hereditary breast and ovarian cancer; Hereditary breast and ovarian cancer syndrome (HBOC); Hereditary breast and ovarian cancer syndrome; BRCA1- and BRCA2-Associated Hereditary Breast and Ovarian Cancer; Hereditary breast and/or ovarian cancer syndrome. Identifiers: Orphanet 145, MedGen C0677776, MeSH D061325, MONDO:0003582. Disease mechanism: loss of function.

Submissions (13):

Evidence-based Network for the Interpretation of Germline Mutant Alleles (ENIGMA)
Classification: Pathogenic for Breast-ovarian cancer, familial, susceptibility to, 2. Last evaluated: 2016-09-08. Review status: reviewed by expert panel. Criteria: ENIGMA BRCA1/2 Classification Criteria (2015). Collection method: curation. Allele origin: germline.
Comment: Variant allele predicted to encode a truncated non-functional protein.

Labcorp Genetics (formerly Invitae), Labcorp
Classification: Pathogenic for Hereditary breast ovarian cancer syndrome. Last evaluated: 2026-01-06. Review status: criteria provided, single submitter. Criteria: Invitae Variant Classification Sherloc (09022015). Collection method: clinical testing. Allele origin: germline. Not counted in ClinVar's aggregate classification.
Comment: This sequence change creates a premature translational stop signal (p.Asn243Lysfs*7) in the BRCA2 gene. It is expected to result in an absent or disrupted protein product. Loss-of-function variants in BRCA2 are known to be pathogenic (PMID: 20104584). This variant is not present in population databases (gnomAD no frequency). This premature translational stop signal has been observed in individual(s) with a personal and/or family history of breast and/or ovarian cancer (PMID: 16030099). This variant is also known as 957del4. ClinVar contains an entry for this variant (Variation ID: 52302). For these reasons, this variant has been classified as Pathogenic.

Ambry Genetics
Classification: Pathogenic for Hereditary cancer-predisposing syndrome. Last evaluated: 2025-05-08. Review status: criteria provided, single submitter. Criteria: Ambry Variant Classification Scheme 2023. Collection method: clinical testing. Allele origin: germline. Not counted in ClinVar's aggregate classification.
Comment: The c.729_732delTGAT pathogenic mutation, located in coding exon 8 of the BRCA2 gene, results from a deletion of 4 nucleotides at nucleotide positions 729 to 732, causing a translational frameshift with a predicted alternate stop codon (p.N243Kfs*7). This alteration has been previously detected in multiple high-risk breast and/or ovarian families (Weitzel JN et al. Cancer Epidemiol. Biomarkers Prev. 2005 Jul; 14(7):1666-71; Rebbeck TR et al. Hum. Mutat., 2018 May;39:593-620). Of note, this alteration is also designated as 957del4 in the literature. This variant is considered to be rare based on population cohorts in the Genome Aggregation Database (gnomAD). This alteration is expected to result in loss of function by premature protein truncation or nonsense-mediated mRNA decay. As such, this alteration is interpreted as a disease-causing mutation.

Fulgent Genetics
Classification: Pathogenic for Familial cancer of breast; Medulloblastoma; Familial prostate cancer; Wilms tumor 1; Fanconi anemia complementation group D1; Breast-ovarian cancer, familial, susceptibility to, 2; Glioma susceptibility 3; Pancreatic cancer, susceptibility to, 2. Last evaluated: 2024-05-13. Review status: criteria provided, single submitter. Criteria: ACMG Guidelines, 2015. Collection method: clinical testing. Allele origin: germline. Not counted in ClinVar's aggregate classification.

Baylor Genetics
Classification: Pathogenic for Familial cancer of breast. Last evaluated: 2024-03-22. Review status: criteria provided, single submitter. Criteria: ACMG Guidelines, 2015. Collection method: clinical testing. Allele origin: unknown. Not counted in ClinVar's aggregate classification.

Sema4
Classification: Pathogenic for Hereditary cancer-predisposing syndrome. Last evaluated: 2021-07-18. Review status: criteria provided, single submitter. Criteria: Sema4 Curation Guidelines. Collection method: curation. Allele origin: germline. Not counted in ClinVar's aggregate classification.
Comment: The BRCA2 c.729_732delTGAT (p.N243Kfs*7) has been reported in heterozygosity in individuals with a personal and/or family history of hereditary breast and/or ovarian cancer (PMID: 16030099; 29446198). It is also known as 957del4 in the literature. This variant causes a frameshift at amino acid 243 that results in premature termination 7 amino acids downstream. At this location, this is predicted to result in loss of function by premature protein truncation or nonsense-mediated mRNA decay. Loss of function variants in BRCA2 are known to be pathogenic (PMID: 29446198). This variant is not reported in the population database Genome Aggregation Database (PMID: 32461654). This variant has been reported in ClinVar (Variation ID: 52302). Based on the current evidence available, this variant is interpreted as pathogenic.

Women's Health and Genetics/Laboratory Corporation of America, LabCorp
Classification: Pathogenic for Hereditary breast ovarian cancer syndrome. Last evaluated: 2021-01-15. Review status: criteria provided, single submitter. Criteria: LabCorp Variant Classification Summary - May 2015. Collection method: clinical testing. Allele origin: germline. Not counted in ClinVar's aggregate classification.
Comment: Variant summary: BRCA2 c.729_732delTGAT (p.Asn243LysfsX7) results in a premature termination codon, predicted to cause a truncation of the encoded protein or absence of the protein due to nonsense mediated decay, which are commonly known mechanisms for disease. The variant was absent in 250784 control chromosomes (gnomAD). c.729_732delTGAT has been reported in the literature in individuals affected with Hereditary Breast and Ovarian Cancer Syndrome (Weitzel_2005, Rebbeck_2018). These data indicate that the variant is likely to be associated with disease. To our knowledge, no experimental evidence demonstrating an impact on protein function has been reported. Six other ClinVar submitters (evaluation after 2014) including an expert panel (ENIGMA) cite the variant as pathogenic. Based on the evidence outlined above, the variant was classified as pathogenic.

Quest Diagnostics Nichols Institute San Juan Capistrano
Classification: Pathogenic. Last evaluated: 2020-03-19. Review status: criteria provided, single submitter. Criteria: Quest Diagnostics criteria. Collection method: clinical testing. Allele origin: unknown. Not counted in ClinVar's aggregate classification.

GeneDx
Classification: Pathogenic. Last evaluated: 2019-10-24. Review status: criteria provided, single submitter. Criteria: GeneDx Variant Classification Process June 2021. Collection method: clinical testing. Allele origin: germline. Affected: yes. Not counted in ClinVar's aggregate classification.
Comment: Frameshift variant predicted to result in protein truncation or nonsense mediated decay in a gene for which loss-of-function is a known mechanism of disease; Not observed in large population cohorts (Lek et al., 2016); Truncating variants in this gene are considered pathogenic by a well-established clinical consortium and/or database; Also known as BRCA2 957del4; This variant is associated with the following publications: (PMID: 26564481, 28127413, 28888541, 16030099)

Consortium of Investigators of Modifiers of BRCA1/2 (CIMBA), c/o University of Cambridge
Classification: Pathogenic for Breast-ovarian cancer, familial, susceptibility to, 2. Last evaluated: 2015-10-02. Review status: criteria provided, single submitter. Criteria: CIMBA Mutation Classification guidelines May 2016. Collection method: clinical testing. Allele origin: germline. Not counted in ClinVar's aggregate classification.

Research Molecular Genetics Laboratory, Women's College Hospital, University of Toronto
Classification: Pathogenic for Hereditary breast ovarian cancer syndrome. Last evaluated: 2014-01-31. Review status: no assertion criteria provided. Collection method: research. Allele origin: germline. Affected: yes. Study: The Canadian Open Genetics Repository (COGR). Not counted in ClinVar's aggregate classification.

Sharing Clinical Reports Project (SCRP)
Classification: Pathogenic for Breast-ovarian cancer, familial 2. Last evaluated: 2009-03-31. Review status: no assertion criteria provided. Collection method: clinical testing. Allele origin: germline. Not counted in ClinVar's aggregate classification.

Breast Cancer Information Core (BIC) (BRCA2)
Classification: Pathogenic for Breast-ovarian cancer, familial 2. Last evaluated: 2003-12-23. Review status: no assertion criteria provided. Collection method: clinical testing. Allele origin: germline. Affected: yes. Observed: 1 variant allele. Not counted in ClinVar's aggregate classification.

Literature cited by the submitters: PubMed 20104584 (cited by Labcorp Genetics (formerly Invitae), Labcorp); PubMed 16030099 (cited by 4 submitters); PubMed 28127413 (cited by Ambry Genetics); PubMed 29446198 (cited by 3 submitters).